The following is an entry in ClinVar:

ClinVar aggregate classification (germline): Uncertain significance. Review status: criteria provided, multiple submitters, no conflicts (2 of 4 stars). 2 submissions from 2 submitters: Uncertain significance (2). Last evaluated 2025-12-01.

Conditions:
Hereditary cancer-predisposing syndrome. Also called: Neoplastic Syndromes, Hereditary; Hereditary Cancer Syndrome; Hereditary neoplastic syndrome; Tumor predisposition. Identifiers: Orphanet 140162, MedGen C0027672, MeSH D009386, MONDO:0015356.
Tuberous sclerosis 1 (TSC1). Identifiers: Orphanet 805, MedGen C1854465, MONDO:0008612, OMIM 191100.

Allele frequency attached by ClinVar (database versions not stated): TOPMed below 0.00001.

Submissions (2):

Labcorp Genetics (formerly Invitae), Labcorp
Classification: Uncertain significance for Tuberous sclerosis 1. Last evaluated: 2025-12-01. Review status: criteria provided, single submitter. Criteria: Invitae Variant Classification Sherloc (09022015). Collection method: clinical testing. Allele origin: germline.
Comment: This sequence change replaces valine, which is neutral and non-polar, with isoleucine, which is neutral and non-polar, at codon 96 of the TSC1 protein (p.Val96Ile). This variant is not present in population databases (gnomAD no frequency). This variant has not been reported in the literature in individuals affected with TSC1-related conditions. ClinVar contains an entry for this variant (Variation ID: 2192161). Invitae Evidence Modeling of protein sequence and biophysical properties (such as structural, functional, and spatial information, amino acid conservation, physicochemical variation, residue mobility, and thermodynamic stability) indicates that this missense variant is not expected to disrupt TSC1 protein function with a negative predictive value of 95%. In summary, the available evidence is currently insufficient to determine the role of this variant in disease. Therefore, it has been classified as a Variant of Uncertain Significance.

Ambry Genetics
Classification: Uncertain significance for Hereditary cancer-predisposing syndrome. Last evaluated: 2024-01-12. Review status: criteria provided, single submitter. Criteria: Ambry Variant Classification Scheme 2023. Collection method: clinical testing. Allele origin: germline.
Comment: The p.V96I variant (also known as c.286G>A), located in coding exon 3 of the TSC1 gene, results from a G to A substitution at nucleotide position 286. The valine at codon 96 is replaced by isoleucine, an amino acid with highly similar properties. This amino acid position is conserved. In addition, the in silico prediction for this alteration is inconclusive. Since supporting evidence is limited at this time, the clinical significance of this alteration remains unclear.

NM_000368.5(TSC1):c.286G>A (p.Val96Ile)

Gene: TSC1 (TSC complex subunit 1; minus strand). Cytogenetic location: 9q34.13.
Variant type: single nucleotide variant.
Coding change: c.286G>A on transcript NM_000368.5 (MANE Select); coding-DNA position 286, G replaced by A.
Protein change: p.Val96Ile; replaces valine 96 with isoleucine.
Molecular consequence: missense variant. On other transcripts: 5 prime UTR variant (1), intron variant (1).
Genome position (GRCh38, 1-based): chr9:132,925,664, C>T on the plus strand (G>A on the coding strand, the complement: TSC1 is on the minus strand). VCF-style: chr9-132925664-C-T. GRCh37 (hg19) VCF-style: chr9-135801051-C-T.
Other names: c.-170G>A (NM_001406614.1, NM_001406616.1, NM_001406624.1); c.-203G>A (NM_001406615.1, NM_001406623.1); c.-78G>A (NM_001406617.1, NM_001406618.1, NM_001406619.1 and 5 more transcripts); c.-592G>A (NM_001406626.1, NM_001406627.1, NM_001406628.1); c.286G>A, p.Val96Ile (NM_001162426.2, NM_001406592.1, NM_001406593.1 and 16 more transcripts); c.-734G>A (NM_001406629.1); c.-808G>A (NM_001406630.1); c.210+1537G>A (NM_001162427.2); short protein forms V96I.
Identifiers: ClinVar variation 2192161 (VCV002192161.5), dbSNP rs987344953, ClinGen allele CA200902148.
Genomic context (GRCh38, chr9:132,925,664, plus strand): 5'-AAGAAGGCAAAAGAGGTGCTTGAGAGAGCTTATGCTTCCAAGATGGCTGCAGTCTTATGA[C>T]ATGACCCAGTAACGAGAGGATGGATAAACGAGTGGCGGCTTTGCCCACATATTCGTTAAT-3'
Protein context (NP_000359.1, residues 86-106): RLSILSLLGH[Val96Ile]IRLQPSWKHK